The following is an entry in ClinVar:

ClinVar aggregate classification (germline): Pathogenic. Review status: reviewed by expert panel (3 of 4 stars). 5 submissions from 5 submitters: Pathogenic (1). 4 of the submissions do not count toward it. Last evaluated 2019-06-18.

Conditions:
Hereditary cancer-predisposing syndrome. Also called: Tumor predisposition; Hereditary neoplastic syndrome; Hereditary Cancer Syndrome; Neoplastic Syndromes, Hereditary. Identifiers: Orphanet 140162, MedGen C0027672, MeSH D009386, MONDO:0015356.
Hereditary breast ovarian cancer syndrome. Also called: Hereditary breast and/or ovarian cancer syndrome; Breast and ovarian cancer; Hereditary breast and ovarian cancer syndrome; Hereditary breast and ovarian cancer; Hereditary breast and ovarian cancer syndrome (HBOC); BRCA1- and BRCA2-Associated Hereditary Breast and Ovarian Cancer. Identifiers: Orphanet 145, MedGen C0677776, MeSH D061325, MONDO:0003582. Disease mechanism: loss of function.
Breast-ovarian cancer, familial, susceptibility to, 1 (BROVCA1). Also called: BRCA1 Hereditary Breast and Ovarian Cancer; OVARIAN CANCER, SUSCEPTIBILITY TO. Identifiers: Orphanet 145, MedGen C2676676, MONDO:0011450, OMIM 604370. Disease mechanism: loss of function.

Submissions (5):

Evidence-based Network for the Interpretation of Germline Mutant Alleles (ENIGMA)
Classification: Pathogenic for Breast-ovarian cancer, familial, susceptibility to, 1. Last evaluated: 2019-06-18. Review status: reviewed by expert panel. Criteria: ENIGMA BRCA1/2 Classification Criteria (2017-06-29). Collection method: curation. Allele origin: germline.
Comment: IARC class based on posterior probability from multifactorial likelihood analysis, thresholds for class as per Plon et al. 2008 (PMID: 18951446). Class 5 based on posterior probability = 0.998022

Labcorp Genetics (formerly Invitae), Labcorp
Classification: Pathogenic for Hereditary breast ovarian cancer syndrome. Last evaluated: 2022-02-09. Review status: criteria provided, single submitter. Criteria: Invitae Variant Classification Sherloc (09022015). Collection method: clinical testing. Allele origin: germline. Not counted in ClinVar's aggregate classification.
Comment: This sequence change affects a splice site in intron 19 of the BRCA1 gene. It is expected to disrupt RNA splicing. Variants that disrupt the donor or acceptor splice site typically lead to a loss of protein function (PMID: 16199547), and loss-of-function variants in BRCA1 are known to be pathogenic (PMID: 20104584). This variant is not present in population databases (gnomAD no frequency). This variant has not been reported in the literature in individuals affected with BRCA1-related conditions. ClinVar contains an entry for this variant (Variation ID: 125810). Algorithms developed to predict the effect of variants on protein structure and function are not available or were not evaluated for this variant. Experimental studies have shown that disruption of this splice site affects BRCA1 function (PMID: 30209399). Algorithms developed to predict the effect of sequence changes on RNA splicing suggest that this variant may disrupt the consensus splice site. For these reasons, this variant has been classified as Pathogenic.

Ambry Genetics
Classification: Likely pathogenic for Hereditary cancer-predisposing syndrome. Last evaluated: 2019-07-15. Review status: criteria provided, single submitter. Criteria: Ambry Variant Classification Scheme 2023. Collection method: clinical testing. Allele origin: germline. Not counted in ClinVar's aggregate classification.
Comment: The c.5277+1_5277+6delGTAAAG intronic variant, located in intron 18 of the BRCA1 gene, results from a deletion of 6 nucleotides within intron 18 of the BRCA1 gene. This nucleotide region is well conserved in available vertebrate species. Using two different splice site prediction tools, this alteration is predicted by BDGP to abolish the native splice donor site, but is predicted to weaken (but not abolish) the efficiency of the native splice donor site by ESEfinder; however, direct evidence is unavailable. Based on the majority of available evidence to date, this variant is likely to be pathogenic.

BRCAlab, Lund University
Classification: Pathogenic for Breast-ovarian cancer, familial, susceptibility to, 1. Last evaluated: 2020-03-02. Review status: no assertion criteria provided. Collection method: clinical testing. Allele origin: germline. Affected: yes. Not counted in ClinVar's aggregate classification.

Breast Cancer Information Core (BIC) (BRCA1)
Classification: Pathogenic for Breast-ovarian cancer, familial 1. Last evaluated: 2002-05-29. Review status: no assertion criteria provided. Collection method: clinical testing. Allele origin: germline. Affected: yes. Observed: 1 variant allele. Not counted in ClinVar's aggregate classification.

Literature cited by the submitters: PubMed 31131967 (cited by Evidence-based Network for the Interpretation of Germline Mutant Alleles (ENIGMA)); PubMed 16199547 (cited by Labcorp Genetics (formerly Invitae), Labcorp); PubMed 20104584 (cited by Labcorp Genetics (formerly Invitae), Labcorp); PubMed 30209399 (cited by Labcorp Genetics (formerly Invitae), Labcorp).

NM_007294.4(BRCA1):c.5277+1_5277+6del

Gene: BRCA1 (BRCA1 DNA repair associated; minus strand). Cytogenetic location: 17q21.31.
Variant type: Deletion.
Coding change: c.5277+1_5277+6del on transcript NM_007294.4 (MANE Select); the canonical splice donor site of the intron after coding-DNA position 5277 through 6 bases into the intron after coding-DNA position 5277, 6 bases deleted (GTAAAG; older notation c.5277+1_5277+6delGTAAAG).
Molecular consequence: splice donor variant.
Genome position (GRCh38, 1-based): chr17:43,057,046-43,057,051, CTTTAC deleted on the plus strand (GTAAAG on the coding strand, the reverse complement: BRCA1 is on the minus strand); deleting any 6 consecutive bases within chr17:43,057,046-43,057,055 gives the same sequence; the c. name uses the placement nearest the transcript's 3' end. VCF-style (leftmost placement, unchanged base first): chr17-43057045-GCTTTAC-G. GRCh37 (hg19) VCF-style: chr17-41209062-GCTTTAC-G.
Other names: IVS20+1del6; c.5277+1_5277+6delGTAAAG (NM_007294.3); c.1824+1_1824+6del (NM_001408458.1, NM_001408461.1, NM_001408464.1 and 7 more transcripts); c.4386+1_4386+6del (NM_001407967.1); c.4896+1_4896+6del (NM_001407959.1); c.5010+1_5010+6del (NM_001407931.1, NM_001407932.1, NM_001407928.1 and 4 more transcripts); c.5133+1_5133+6del (NM_001407747.1, NM_001407745.1, NM_001407737.1 and 21 more transcripts); c.4893+1_4893+6del (NM_001407962.1, NM_001407960.1); and 74 more.
Identifiers: ClinVar variation 125810 (VCV000125810.19), dbSNP rs1060502356, ClinGen allele CA16615648.
Genomic context (GRCh38, chr17:43,057,045, plus strand): 5'-TGCAAAGGGGAGTGGAATACAGAGTGGTGGGGTGAGATTTTTGTCAACTTGAGGGAGGGA[GCTTTAC>G]CTTTCTGTCCTGGGATTCTCTTGCTCGCTTTGGACCTTGGTGGTTTCTTCCATTGACCAC-3'